The following is an entry in ClinVar:

NM_173689.7(CRB2):c.137C>T (p.Pro46Leu)

Gene: CRB2 (crumbs cell polarity complex component 2; plus strand). Cytogenetic location: 9q33.3.
Variant type: single nucleotide variant.
Coding change: c.137C>T on transcript NM_173689.7 (MANE Select); coding-DNA position 137, C replaced by T.
Protein change: p.Pro46Leu; replaces proline 46 with leucine.
Molecular consequence: missense variant.
Genome position (GRCh38, 1-based): chr9:123,362,907, C>T. VCF-style: chr9-123362907-C-T. GRCh37 (hg19) VCF-style: chr9-126125186-C-T.
Other names: p.Pro46Leu; short protein forms P46L.
Identifiers: ClinVar variation 717237 (VCV000717237.18), dbSNP rs73571404, ClinGen allele CA5231556.

ClinVar aggregate classification (germline): Benign/Likely benign. Review status: criteria provided, multiple submitters, no conflicts (2 of 4 stars). 7 submissions from 7 submitters: Benign (1); Likely benign (4). 2 of the submissions do not count toward it. Last evaluated 2026-01-22.

Allele frequency attached by ClinVar (database versions not stated): gnomAD exomes 0.00090 and 0.00220; ExAC 0.00243; ESP Exome Variant Server 0.00561; 1000 Genomes Project 0.00599; gnomAD 0.00626 and 0.00665; TOPMed 0.00666; 1000 Genomes Project 30x 0.00671.
gnomAD v4.1: 2,324 of 1,597,642 alleles (0.15%); highest among the groups gnomAD compares: African/African-American, 2%; 20 homozygotes.

Submissions (7):

Labcorp Genetics (formerly Invitae), Labcorp
Classification: Benign. Last evaluated: 2026-01-22. Review status: criteria provided, single submitter. Criteria: Invitae Variant Classification Sherloc (09022015). Collection method: clinical testing. Allele origin: germline.

Mayo Clinic Laboratories, Mayo Clinic
Classification: Likely benign. Last evaluated: 2025-09-25. Review status: criteria provided, single submitter. Criteria: ACMG Guidelines, 2015. Collection method: clinical testing. Allele origin: germline. Observed: 1 variant allele.
Comment: BS1, BP4

Blueprint Genetics
Classification: Likely benign. Last evaluated: 2024-11-12. Review status: criteria provided, single submitter. Criteria: ACMG Guidelines, 2015. Collection method: clinical testing. Allele origin: germline.

GeneDx
Classification: Likely benign. Last evaluated: 2020-01-16. Review status: criteria provided, single submitter. Criteria: GeneDx Variant Classification Process June 2021. Collection method: clinical testing. Allele origin: germline. Affected: yes.

Breakthrough Genomics
Classification: Likely benign. Review status: criteria provided, single submitter. Criteria: ACMG Guidelines, 2015. Collection method: not provided. Allele origin: germline. Inheritance: Autosomal recessive inheritance. Affected: yes.

Clinical Genetics DNA and cytogenetics Diagnostics Lab, Erasmus MC, Erasmus Medical Center
Classification: Benign. Review status: no assertion criteria provided. Collection method: clinical testing. Allele origin: germline. Affected: yes. Study: VKGL Data-share Consensus. Not counted in ClinVar's aggregate classification.

Laboratory of Diagnostic Genome Analysis, Leiden University Medical Center (LUMC)
Classification: Likely benign. Review status: no assertion criteria provided. Collection method: clinical testing. Allele origin: germline. Affected: yes. Study: VKGL Data-share Consensus. Not counted in ClinVar's aggregate classification.